The following is an entry in ClinVar:

NM_000038.6(APC):c.3532G>A (p.Asp1178Asn)

Gene: APC (APC regulator of Wnt signaling pathway; plus strand). Cytogenetic location: 5q22.2.
Variant type: single nucleotide variant.
Coding change: c.3532G>A on transcript NM_000038.6 (MANE Select); coding-DNA position 3532, G replaced by A.
Protein change: p.Asp1178Asn; replaces aspartic acid 1178 with asparagine.
Molecular consequence: missense variant.
Genome position (GRCh38, 1-based): chr5:112,839,126, G>A. VCF-style: chr5-112839126-G-A. GRCh37 (hg19) VCF-style: chr5-112174823-G-A.
Other names: c.3532G>A, p.Asp1178Asn (NM_001127510.3, NM_001354895.2, NM_001407450.1); c.3478G>A, p.Asp1160Asn (NM_001127511.3); c.3586G>A, p.Asp1196Asn (NM_001354896.2, NM_001407447.1, NM_001407448.1 and 1 more transcripts); c.3562G>A, p.Asp1188Asn (NM_001354897.2); c.3457G>A, p.Asp1153Asn (NM_001354898.2); c.3448G>A, p.Asp1150Asn (NM_001354899.2); c.3409G>A, p.Asp1137Asn (NM_001354900.2); c.3355G>A, p.Asp1119Asn (NM_001354901.2, NM_001407453.1); and 11 more; short protein forms D1018N, D1049N, D1137N, D1150N, D1168N, D794N, D895N, D1077N.
Identifiers: ClinVar variation 2089443 (VCV002089443.4), dbSNP rs2149893795, ClinGen allele CA16029091.

ClinVar aggregate classification (germline): Uncertain significance (1 of 4 stars; one submission).

Conditions:
Familial adenomatous polyposis 1 (FAP1). Also called: POLYPOSIS, ADENOMATOUS INTESTINAL; FAMILIAL ADENOMATOUS POLYPOSIS 1, ATTENUATED. Identifiers: MedGen C2713442, MONDO:0021056, OMIM 175100. Disease mechanism: loss of function.

Submission:

Labcorp Genetics (formerly Invitae), Labcorp
Classification: Uncertain significance for Familial adenomatous polyposis 1. Last evaluated: 2022-01-26. Review status: criteria provided, single submitter. Criteria: Invitae Variant Classification Sherloc (09022015). Collection method: clinical testing. Allele origin: germline.
Comment: Algorithms developed to predict the effect of missense changes on protein structure and function are either unavailable or do not agree on the potential impact of this missense change (SIFT: "Tolerated"; PolyPhen-2: "Probably Damaging"; Align-GVGD: "Class C0"). In summary, the available evidence is currently insufficient to determine the role of this variant in disease. Therefore, it has been classified as a Variant of Uncertain Significance. This variant has not been reported in the literature in individuals affected with APC-related conditions. This variant is not present in population databases (gnomAD no frequency). This sequence change replaces aspartic acid, which is acidic and polar, with asparagine, which is neutral and polar, at codon 1178 of the APC protein (p.Asp1178Asn).